The following is an entry in ClinVar:

ClinVar aggregate classification (germline): Uncertain significance. Review status: criteria provided, multiple submitters, no conflicts (2 of 4 stars). 6 submissions from 6 submitters: Uncertain significance (6). Last evaluated 2025-11-19.

Conditions:
Hereditary cancer-predisposing syndrome. Also called: Hereditary neoplastic syndrome; Tumor predisposition; Hereditary Cancer Syndrome; Neoplastic Syndromes, Hereditary. Identifiers: Orphanet 140162, MedGen C0027672, MeSH D009386, MONDO:0015356.
Pheochromocytoma/paraganglioma syndrome 5. Also called: SDHA-Related Hereditary Paraganglioma-Pheochromocytoma Syndrome; Paragangliomas 5. Identifiers: Orphanet 29072, MedGen C3279992, MONDO:0013602, OMIM 614165.
Mitochondrial complex II deficiency, nuclear type 1. Also called: SUCCINATE CoQ REDUCTASE DEFICIENCY. Identifiers: Orphanet 3208, MedGen C5700310, MONDO:0100294, OMIM 252011.
Dilated cardiomyopathy 1GG (CMD1GG). Identifiers: Orphanet 154, MedGen C3150898, MONDO:0013339, OMIM 613642.

Allele frequency attached by ClinVar (database versions not stated): gnomAD exomes 0.00001; TOPMed below 0.00001.
gnomAD v4.1: 5 of 1,612,458 alleles (0.00031%); highest among the groups gnomAD compares: Non-Finnish European, 0.00042%; no homozygotes.

Submissions (6):

Dasa
Classification: Uncertain significance. Last evaluated: 2025-11-19. Review status: criteria provided, single submitter. Criteria: DASA Assertion Criteria. Collection method: clinical testing. Allele origin: germline.
Comment: NM_004168.4(SDHA):c.319A>G (p.Ile107Val) is a missense variant that results in the substitution of isoleucine with valine. This variant is rare in population databases. The currently available literature and clinical evidence are not sufficient to establish a definitive association between this variant and the reported condition. Therefore, this variant is classified as a variant of uncertain significance.

Labcorp Genetics (formerly Invitae), Labcorp
Classification: Uncertain significance for Pheochromocytoma/paraganglioma syndrome 5; Mitochondrial complex II deficiency, nuclear type 1. Last evaluated: 2025-10-02. Review status: criteria provided, single submitter. Criteria: Invitae Variant Classification Sherloc (09022015). Collection method: clinical testing. Allele origin: germline.
Comment: This sequence change replaces isoleucine, which is neutral and non-polar, with valine, which is neutral and non-polar, at codon 107 of the SDHA protein (p.Ile107Val). This variant is not present in population databases (gnomAD no frequency). This variant has not been reported in the literature in individuals affected with SDHA-related conditions. ClinVar contains an entry for this variant (Variation ID: 412378). Invitae Evidence Modeling of protein sequence and biophysical properties (such as structural, functional, and spatial information, amino acid conservation, physicochemical variation, residue mobility, and thermodynamic stability) indicates that this missense variant is not expected to disrupt SDHA protein function with a negative predictive value of 95%. In summary, the available evidence is currently insufficient to determine the role of this variant in disease. Therefore, it has been classified as a Variant of Uncertain Significance.

Ambry Genetics
Classification: Uncertain significance for Hereditary cancer-predisposing syndrome. Last evaluated: 2024-08-15. Review status: criteria provided, single submitter. Criteria: Ambry Variant Classification Scheme 2023. Collection method: clinical testing. Allele origin: germline.
Comment: The p.I107V variant (also known as c.319A>G), located in coding exon 4 of the SDHA gene, results from an A to G substitution at nucleotide position 319. The isoleucine at codon 107 is replaced by valine, an amino acid with highly similar properties. This amino acid position is highly conserved in available vertebrate species. In addition, the in silico prediction for this alteration is inconclusive. Since supporting evidence is limited at this time, the clinical significance of this alteration remains unclear.

GeneDx
Classification: Uncertain significance. Last evaluated: 2024-06-10. Review status: criteria provided, single submitter. Criteria: GeneDx Variant Classification Process June 2021. Collection method: clinical testing. Allele origin: germline. Affected: yes.
Comment: Not observed at significant frequency in large population cohorts (gnomAD); In silico analysis indicates that this missense variant does not alter protein structure/function; Has not been previously published as pathogenic or benign to our knowledge

Baylor Genetics
Classification: Uncertain significance for Dilated cardiomyopathy 1GG. Last evaluated: 2023-12-19. Review status: criteria provided, single submitter. Criteria: ACMG Guidelines, 2015. Collection method: clinical testing. Allele origin: unknown.

Sema4
Classification: Uncertain significance for Hereditary cancer-predisposing syndrome. Last evaluated: 2021-08-06. Review status: criteria provided, single submitter. Criteria: Sema4 Curation Guidelines. Collection method: curation. Allele origin: germline.
Comment: The SDHA c.319A>G (p.I107V) variant has not been reported in the literature to our knowledge. This variant is not reported in the population database Genome Aggregation Database (PMID: 32461654). The variant has been reported in ClinVar (Variation ID: 412378). Functional studies have not been performed, and in silico predictions of the variant's effect on protein function are inconclusive. The evidence is insufficient to meet ACMG/AMP criteria for classifying the variant as benign or pathogenic. Thus, the clinical significance of this variant is currently uncertain.

NM_004168.4(SDHA):c.319A>G (p.Ile107Val)

Gene: SDHA (succinate dehydrogenase complex flavoprotein subunit A; plus strand). Cytogenetic location: 5p15.33.
Variant type: single nucleotide variant.
Coding change: c.319A>G on transcript NM_004168.4 (MANE Select); coding-DNA position 319, A replaced by G.
Protein change: p.Ile107Val; replaces isoleucine 107 with valine.
Molecular consequence: missense variant. On other transcripts: intron variant (1).
Genome position (GRCh38, 1-based): chr5:225,425, A>G. VCF-style: chr5-225425-A-G. GRCh37 (hg19) VCF-style: chr5-225540-A-G.
Other names: c.319A>G, p.Ile107Val (NM_001330758.2); c.313-458A>G (NM_001294332.2); short protein forms I107V.
Identifiers: ClinVar variation 412378 (VCV000412378.20), dbSNP rs1060503720, ClinGen allele CA16611823.